The following is an entry in ClinVar:

NM_018297.4(NGLY1):c.64C>T (p.Gln22Ter)

Gene: NGLY1 (N-glycanase 1; minus strand). Cytogenetic location: 3p24.2.
Variant type: single nucleotide variant.
Coding change: c.64C>T on transcript NM_018297.4 (MANE Select); coding-DNA position 64, C replaced by T.
Protein change: p.Gln22Ter; replaces glutamine 22 with a stop codon.
Molecular consequence: nonsense. On other transcripts: intron variant (1).
Genome position (GRCh38, 1-based): chr3:25,783,327, G>A on the plus strand (C>T on the coding strand, the complement: NGLY1 is on the minus strand). VCF-style: chr3-25783327-G-A. GRCh37 (hg19) VCF-style: chr3-25824818-G-A.
Other names: c.64C>T, p.Gln22Ter (NM_001145293.2, NM_001145295.2); c.6-4639C>T (NM_001145294.2); short protein forms Q22*.
Identifiers: ClinVar variation 3638732 (VCV003638732.2).

ClinVar aggregate classification (germline): Pathogenic (1 of 4 stars; one submission).

Conditions:
Congenital disorder of deglycosylation (CDDG). Identifiers: MedGen C3808991, MONDO:0031376.

Submission:

Labcorp Genetics (formerly Invitae), Labcorp
Classification: Pathogenic for Congenital disorder of deglycosylation. Last evaluated: 2024-02-04. Review status: criteria provided, single submitter. Criteria: Invitae Variant Classification Sherloc (09022015). Collection method: clinical testing. Allele origin: germline.
Comment: This sequence change creates a premature translational stop signal (p.Gln22*) in the NGLY1 gene. It is expected to result in an absent or disrupted protein product. Loss-of-function variants in NGLY1 are known to be pathogenic (PMID: 24651605). This variant is not present in population databases (gnomAD no frequency). This variant has not been reported in the literature in individuals affected with NGLY1-related conditions. For these reasons, this variant has been classified as Pathogenic.

Literature cited by the submitters: PubMed 24651605.